The following is an entry in ClinVar:

ClinVar aggregate classification (germline): Conflicting classifications of pathogenicity. Review status: criteria provided, conflicting classifications (1 of 4 stars). 22 submissions from 18 submitters: Uncertain significance (10); Benign (1); Likely benign (8). 3 of the submissions do not count toward it. Last evaluated 2026-02-03.

Conditions:
TTN-related disorder. Also called: TTN-related condition; TTN-related disease; TTN-related disorders.
Cardiovascular phenotype. Identifiers: MedGen CN230736.
Dilated cardiomyopathy 1G (CMD1G). Identifiers: Orphanet 154, MedGen C1858763, MONDO:0011400, OMIM 604145.
Autosomal recessive limb-girdle muscular dystrophy type 2J (LGMDR10). Also called: Limb-girdle muscular dystrophy, type 2J; MUSCULAR DYSTROPHY, LIMB-GIRDLE, AUTOSOMAL RECESSIVE 10. Identifiers: Orphanet 140922, MedGen C1837342, MONDO:0012127, OMIM 608807.
Cardiomyopathy (CMYO). Also called: Cardiomyopathies. Identifiers: Orphanet 167848, MedGen C0878544, MONDO:0004994, HP:0001638. Inheritance: Various modes of inheritance.
Early-onset myopathy with fatal cardiomyopathy (CMYO5). Also called: Salih Myopathy; CONGENITAL MYOPATHY 5 WITH CARDIOMYOPATHY. Identifiers: Orphanet 289377, MedGen C2673677, MONDO:0012714, OMIM 611705. Disease mechanism: loss of function.
Myopathy, myofibrillar, 9, with early respiratory failure (MFM9). Also called: Hereditary myopathy with early respiratory failure; Myopathy, distal, with early respiratory failure, autosomal dominant; EDSTROM MYOPATHY; MYOPATHY, PROXIMAL, WITH EARLY RESPIRATORY MUSCLE INVOLVEMENT. Identifiers: Orphanet 178464, Orphanet 34521, MedGen C1863599, MONDO:0011362, OMIM 603689.
Tibial muscular dystrophy (TMD). Also called: Udd Distal Myopathy – Tibial Muscular Dystrophy; Tibial muscular dystrophy, tardive; UDD MYOPATHY. Identifiers: Orphanet 609, MedGen C1838244, MONDO:0010870, OMIM 600334.

Allele frequency attached by ClinVar (database versions not stated): 1000 Genomes Project 30x 0.00016; ESP Exome Variant Server 0.00017; gnomAD exomes 0.00029 and 0.00044; gnomAD 0.00030 and 0.00036; TOPMed 0.00031; ExAC 0.00041.
gnomAD v4.1: 487 of 1,613,720 alleles (0.03%); highest among the groups gnomAD compares: South Asian, 0.2%; 2 homozygotes.

Submissions (22):

Labcorp Genetics (formerly Invitae), Labcorp
Classification: Likely benign for Dilated cardiomyopathy 1G; Autosomal recessive limb-girdle muscular dystrophy type 2J. Last evaluated: 2026-02-03. Review status: criteria provided, single submitter. Criteria: Invitae Variant Classification Sherloc (09022015). Collection method: clinical testing. Allele origin: germline.

PreventionGenetics, part of Exact Sciences
Classification: Likely benign for TTN-related condition. Last evaluated: 2025-09-24. Review status: criteria provided, single submitter. Criteria: ACMG Guidelines, 2015. Collection method: clinical testing. Allele origin: germline.
Comment: This variant is classified as likely benign based on ACMG/AMP sequence variant interpretation guidelines (Richards et al. 2015 PMID: 25741868, with internal and published modifications).

Revvity Omics, Revvity
Classification: Uncertain significance. Last evaluated: 2025-07-09. Review status: criteria provided, single submitter. Criteria: ACMG Guidelines, 2015. Collection method: clinical testing. Allele origin: germline.

CeGaT Center for Human Genetics Tuebingen
Classification: Uncertain significance. Last evaluated: 2025-07-01. Review status: criteria provided, single submitter. Criteria: CeGaT Center For Human Genetics Tuebingen Variant Classification Criteria Version 2. Collection method: clinical testing. Allele origin: germline. Affected: yes. Observed: 4 variant alleles.
Comment: TTN: PP3

ARUP Laboratories, Molecular Genetics and Genomics, ARUP Laboratories
Classification: Uncertain significance. Last evaluated: 2025-04-11. Review status: criteria provided, single submitter. Criteria: ARUP Molecular Germline Variant Investigation Process 2024. Collection method: clinical testing. Allele origin: germline.
Comment: The TTN c.97099C>T; However, additional clinical information was not presented. Additionally, the clinical relevance of rare missense variants in this gene, which are identified on average once per individual sequenced in affected populations (Herman 2012), is not well understood. Yet, evidence suggests that the vast majority of such missense variants do not contribute to the clinical outcome of DCM (Begay 2015). Thus, the clinical significance of the p.Arg32367Cys variant cannot be determined with certainty." References: Begay RL et al. Role of Titin Missense Variants in Dilated Cardiomyopathy. J Am Heart Assoc. 2015 Nov 13;4(11). PMID: 26567375. Herman DS et al. Truncations of titin causing dilated cardiomyopathy. N Engl J Med. 2012 Feb 16;366(7):619-28. PMID: 22335739. Linke WA and Hamdani N. Gigantic business: titin properties and function through thick and thin. Circ Res 2014; 114(6): 1052-1068. PMID: 24625729. Zhong J et al. Clinical and genetic characteristics of female dystrophinopathy carriers. Mol Med Rep. 2019 Apr;19(4):3035-3044. PMID: 30816495

Molecular Diagnostic Laboratory for Inherited Cardiovascular Disease, Montreal Heart Institute
Classification: Likely benign. Last evaluated: 2025-04-09. Review status: criteria provided, single submitter. Criteria: ACMG Guidelines, 2015. Collection method: clinical testing. Allele origin: germline. Affected: no.
Comment: BS1;BP1

Blueprint Genetics
Classification: Likely benign. Last evaluated: 2024-11-07. Review status: criteria provided, single submitter. Criteria: ACMG Guidelines, 2015. Collection method: clinical testing. Allele origin: germline.

Women's Health and Genetics/Laboratory Corporation of America, LabCorp
Classification: Likely benign. Last evaluated: 2022-01-02. Review status: criteria provided, single submitter. Criteria: LabCorp Variant Classification Summary - May 2015. Collection method: clinical testing. Allele origin: germline.

Mayo Clinic Laboratories, Mayo Clinic
Classification: Uncertain significance. Last evaluated: 2021-11-12. Review status: criteria provided, single submitter. Criteria: ACMG Guidelines, 2015. Collection method: clinical testing. Allele origin: germline.

CHEO Genetics Diagnostic Laboratory, Children's Hospital of Eastern Ontario
Classification: Benign for Cardiomyopathy. Last evaluated: 2020-08-11. Review status: criteria provided, single submitter. Criteria: ACMG Guidelines, 2015. Collection method: clinical testing. Allele origin: germline.

Eurofins Ntd Llc (ga)
Classification: Uncertain significance. Last evaluated: 2018-07-12. Review status: criteria provided, single submitter. Criteria: EGL ClinVar v180209 classification definitions. Collection method: clinical testing. Allele origin: germline. Observed: 5 variant alleles, 4 heterozygotes, 1 homozygote.

Illumina Laboratory Services, Illumina
Classification: Likely benign for Tibial muscular dystrophy. Last evaluated: 2017-04-27. Review status: criteria provided, single submitter. Criteria: ICSL Variant Classification Criteria 13 December 2019. Collection method: clinical testing. Allele origin: germline.
Comment: This variant was observed as part of a predisposition screen in an ostensibly healthy population. A literature search was performed for the gene, cDNA change, and amino acid change (where applicable). No publications were found based on this search. Allele frequency data from public databases allowed determination this variant is unlikely to cause disease. Therefore, this variant is classified as likely benign.

Illumina Laboratory Services, Illumina
Classification: Uncertain significance for Dilated cardiomyopathy 1G. Last evaluated: 2017-04-27. Review status: criteria provided, single submitter. Criteria: ICSL Variant Classification Criteria 13 December 2019. Collection method: clinical testing. Allele origin: germline.

Illumina Laboratory Services, Illumina
Classification: Likely benign for Myopathy, myofibrillar, 9, with early respiratory failure. Last evaluated: 2017-04-27. Review status: criteria provided, single submitter. Criteria: ICSL Variant Classification Criteria 13 December 2019. Collection method: clinical testing. Allele origin: germline.
Comment: the same text as in the submission from Illumina Laboratory Services, Illumina above.

Illumina Laboratory Services, Illumina
Classification: Uncertain significance for Early-onset myopathy with fatal cardiomyopathy. Last evaluated: 2017-04-27. Review status: criteria provided, single submitter. Criteria: ICSL Variant Classification Criteria 13 December 2019. Collection method: clinical testing. Allele origin: germline.

Illumina Laboratory Services, Illumina
Classification: Uncertain significance for Autosomal recessive limb-girdle muscular dystrophy type 2J. Last evaluated: 2017-04-27. Review status: criteria provided, single submitter. Criteria: ICSL Variant Classification Criteria 13 December 2019. Collection method: clinical testing. Allele origin: germline.

GeneDx
Classification: Likely benign. Last evaluated: 2017-03-01. Review status: criteria provided, single submitter. Criteria: GeneDx Variant Classification (06012015). Collection method: clinical testing. Allele origin: germline. Affected: yes.
Comment: This variant is considered likely benign or benign based on one or more of the following criteria: it is a conservative change, it occurs at a poorly conserved position in the protein, it is predicted to be benign by multiple in silico algorithms, and/or has population frequency not consistent with disease.

Laboratory for Molecular Medicine, Mass General Brigham Personalized Medicine
Classification: Uncertain significance. Last evaluated: 2015-01-29. Review status: criteria provided, single submitter. Criteria: LMM Criteria. Collection method: clinical testing. Allele origin: germline. Observed: 5 variant alleles.
Comment: Variant classified as Uncertain Significance - Favor Benign. The p.Arg29799Cys v ariant in TTN has been identified by our laboratory in 1 individual with ARVC an d 2 individuals with DCM, 1 of whom carried variants in another gene that were s ufficient to explain their disease. This variant has also been identified in 0.2 % (25/16628) of South Asian chromosomes by the Exome Aggregation Consortium (ExA C; dbSNP rs202064385). Arginine (Arg) at positio n 29799 is conserved in mammals but not in evolutionarily distant species, and 2 fish species carry a cysteine (Cys) at this position, raising the possibility t hat this change may be tolerated. In summary, while the clinical significance of the p.Arg29799Cys variant is uncertain, its frequency and lack of conservation suggests that it is more likely to be benign.

Ambry Genetics
Classification: Uncertain significance for Cardiovascular phenotype. Last evaluated: 2013-02-07. Review status: criteria provided, single submitter. Criteria: Ambry Autosomal Dominant and X-Linked criteria (10/2015). Collection method: clinical testing. Allele origin: germline. Observed: 1 variant allele.
Comment: Ã¢â‚¬â€¹The p.R29799C variant (also known as c.89395C>T) is located in coding exon 296 of the TTN gene. This alteration results from a C to T substitution at nucleotide position 89395. The arginine at codon 29799 is replaced by cysteine, an amino acid with highly dissimilar properties. Based on data from the NHLBI Exome Sequencing Project (ESP), the T-allele has an overall frequency of approximately 0.02% (2/12,044), having not been observed in 3789 of African American alleles, and observedin0.02% (2/8246) of European American alleles. Based on protein sequence alignment, this amino acid position is highly conserved in available vertebrate species. In addition, this alteration is predicted to be probably damaging by PolyPhen in silico analysis. Since supporting evidence is limited at this time, the clinical significance of p.R29799C remains unclear.

Clinical Genetics DNA and cytogenetics Diagnostics Lab, Erasmus MC, Erasmus Medical Center
Classification: Likely benign. Review status: no assertion criteria provided. Collection method: clinical testing. Allele origin: germline. Affected: yes. Study: VKGL Data-share Consensus. Not counted in ClinVar's aggregate classification.

Clinical Genetics, Academic Medical Center
Classification: Likely benign. Review status: no assertion criteria provided. Collection method: clinical testing. Allele origin: germline. Affected: yes. Study: VKGL Data-share Consensus. Not counted in ClinVar's aggregate classification.

Joint Genome Diagnostic Labs from Nijmegen and Maastricht, Radboudumc and MUMC+
Classification: Likely benign. Review status: no assertion criteria provided. Collection method: clinical testing. Allele origin: germline. Affected: yes. Study: VKGL Data-share Consensus. Not counted in ClinVar's aggregate classification.

NM_001267550.2(TTN):c.97099C>T (p.Arg32367Cys)

Genes: TTN (titin; minus strand), TTN-AS1 (TTN antisense RNA 1; plus strand). Cytogenetic location: 2q31.2.
Variant type: single nucleotide variant.
Coding change: c.97099C>T on transcript NM_001267550.2 (MANE Select); coding-DNA position 97099, C replaced by T.
Protein change: p.Arg32367Cys; replaces arginine 32367 with cysteine.
Molecular consequence: missense variant.
Genome position (GRCh38, 1-based): chr2:178,542,755, G>A on the plus strand (C>T on the coding strand, the complement: TTN is on the minus strand). VCF-style: chr2-178542755-G-A. GRCh37 (hg19) VCF-style: chr2-179407482-G-A.
Other names: p.R30726C:CGT>TGT; c.92176C>T, p.Arg30726Cys (NM_001256850.1); c.89395C>T, p.Arg29799Cys (NM_133378.4); c.69904C>T, p.Arg23302Cys (NM_003319.4); c.70279C>T, p.Arg23427Cys (NM_133432.3); c.70480C>T, p.Arg23494Cys (NM_133437.4); short protein forms R32367C, R29799C, R30726C, R23302C, R23494C, R23427C.
Identifiers: ClinVar variation 47579 (VCV000047579.79), dbSNP rs202064385, ClinGen allele CA141408.